The following is an entry in ClinVar:

ClinVar aggregate classification (germline): Conflicting classifications of pathogenicity. Review status: criteria provided, conflicting classifications (1 of 4 stars). 2 submissions from 2 submitters: Likely pathogenic (1); Uncertain significance (1). Last evaluated 2026-04-02.

Conditions:
CHARGE syndrome (CHARGE). Also called: Hittner Hirsch Kreh syndrome; CHARGE ASSOCIATION--COLOBOMA, HEART ANOMALY, CHOANAL ATRESIA, RETARDATION, GENITAL AND EAR ANOMALIES; Coloboma, heart anomaly, choanal atresia, retardation, genital and ear anomalies; CHARGE association; Hall-Hittner syndrome. Identifiers: Orphanet 138, MedGen C0265354, MONDO:0008965.

Allele frequency attached by ClinVar (database versions not stated): gnomAD exomes below 0.00001.
gnomAD v4.1: 5 of 1,613,266 alleles (0.00031%); highest among the groups gnomAD compares: Non-Finnish European, 0.00034%; no homozygotes.

Submissions (2):

GeneDx
Classification: Uncertain significance. Last evaluated: 2026-04-02. Review status: criteria provided, single submitter. Criteria: GeneDx Variant Classification Process June 2021. Collection method: clinical testing. Allele origin: germline.
Comment: Identified in patients with Kallmann syndrome in published literature (PMID: 35047002); Not observed at significant frequency in large population cohorts (gnomAD); In silico analysis supports that this missense variant has a deleterious effect on protein structure/function; This variant is associated with the following publications: (PMID: 35047002)

Labcorp Genetics (formerly Invitae), Labcorp
Classification: Likely pathogenic for CHARGE syndrome. Last evaluated: 2023-04-09. Review status: criteria provided, single submitter. Criteria: Invitae Variant Classification Sherloc (09022015). Collection method: clinical testing. Allele origin: germline.
Comment: Advanced modeling of protein sequence and biophysical properties (such as structural, functional, and spatial information, amino acid conservation, physicochemical variation, residue mobility, and thermodynamic stability) performed at Invitae indicates that this missense variant is expected to disrupt CHD7 protein function. In summary, the currently available evidence indicates that the variant is pathogenic, but additional data are needed to prove that conclusively. Therefore, this variant has been classified as Likely Pathogenic. This missense change has been observed in individuals with Kallman syndrome (PMID: 35047002). This variant is not present in population databases (gnomAD no frequency). This sequence change replaces arginine, which is basic and polar, with cysteine, which is neutral and slightly polar, at codon 1743 of the CHD7 protein (p.Arg1743Cys).

Literature cited by the submitters: PubMed 35047002 (cited by Labcorp Genetics (formerly Invitae), Labcorp).

NM_017780.4(CHD7):c.5227C>T (p.Arg1743Cys)

Gene: CHD7 (chromodomain helicase DNA binding protein 7; plus strand). Cytogenetic location: 8q12.2.
Variant type: single nucleotide variant.
Coding change: c.5227C>T on transcript NM_017780.4 (MANE Select); coding-DNA position 5227, C replaced by T.
Protein change: p.Arg1743Cys; replaces arginine 1743 with cysteine.
Molecular consequence: missense variant. On other transcripts: intron variant (1).
Genome position (GRCh38, 1-based): chr8:60,848,531, C>T. VCF-style: chr8-60848531-C-T. GRCh37 (hg19) VCF-style: chr8-61761090-C-T.
Other names: c.1717-13698C>T (NM_001316690.1); short protein forms R1743C.
Identifiers: ClinVar variation 2900344 (VCV002900344.4), dbSNP rs1805311016, ClinGen allele CA371320788.